The following is an entry in ClinVar:

ClinVar aggregate classification (germline): Uncertain significance. Review status: criteria provided, multiple submitters, no conflicts (2 of 4 stars). 2 submissions from 2 submitters: Uncertain significance (2). Last evaluated 2024-12-20.

Conditions:
Progressive sclerosing poliodystrophy (MTDPS4A). Also called: Mitochondrial DNA Depletion Syndrome 4A; ALPERS PROGRESSIVE INFANTILE POLIODYSTROPHY; NEURONAL DEGENERATION OF CHILDHOOD WITH LIVER DISEASE, PROGRESSIVE; Mitochondrial DNA depletion syndrome 4A (Alpers type); Alpers-Huttenlocher Syndrome (AHS); Alpers Syndrome. Identifiers: Orphanet 726, MedGen C0205710, MONDO:0008758, OMIM 203700.

gnomAD v4.1: 3 of 1,604,890 alleles (0.00019%); highest among the groups gnomAD compares: Non-Finnish European, 0.00025%; no homozygotes.

Submissions (2):

Labcorp Genetics (formerly Invitae), Labcorp
Classification: Uncertain significance for Progressive sclerosing poliodystrophy. Last evaluated: 2024-12-20. Review status: criteria provided, single submitter. Criteria: Invitae Variant Classification Sherloc (09022015). Collection method: clinical testing. Allele origin: germline.
Comment: This sequence change replaces proline, which is neutral and non-polar, with leucine, which is neutral and non-polar, at codon 56 of the POLG protein (p.Pro56Leu). This variant is not present in population databases (gnomAD no frequency). This variant has not been reported in the literature in individuals affected with POLG-related conditions. ClinVar contains an entry for this variant (Variation ID: 1936427). Invitae Evidence Modeling of protein sequence and biophysical properties (such as structural, functional, and spatial information, amino acid conservation, physicochemical variation, residue mobility, and thermodynamic stability) indicates that this missense variant is not expected to disrupt POLG protein function with a negative predictive value of 95%. In summary, the available evidence is currently insufficient to determine the role of this variant in disease. Therefore, it has been classified as a Variant of Uncertain Significance.

GeneDx
Classification: Uncertain significance. Last evaluated: 2024-03-15. Review status: criteria provided, single submitter. Criteria: GeneDx Variant Classification Process June 2021. Collection method: clinical testing. Allele origin: germline. Affected: yes.
Comment: Not observed at significant frequency in large population cohorts (gnomAD); In silico analysis supports that this missense variant does not alter protein structure/function; Has not been previously published as pathogenic or benign to our knowledge

NM_002693.3(POLG):c.167C>T (p.Pro56Leu)

Genes: POLG (DNA polymerase gamma, catalytic subunit; minus strand), POLGARF (POLG alternative reading frame; minus strand). Cytogenetic location: 15q26.1.
Variant type: single nucleotide variant.
Coding change: c.167C>T on transcript NM_002693.3 (MANE Select); coding-DNA position 167, C replaced by T.
Protein change: p.Pro56Leu; replaces proline 56 with leucine.
Molecular consequence: missense variant.
Genome position (GRCh38, 1-based): chr15:89,333,588, G>A on the plus strand (C>T on the coding strand, the complement: POLG is on the minus strand). VCF-style: chr15-89333588-G-A. GRCh37 (hg19) VCF-style: chr15-89876819-G-A.
Other names: c.167C>T, p.Pro56Leu (NM_001126131.2); short protein forms P56L.
Identifiers: ClinVar variation 1936427 (VCV001936427.5), dbSNP rs1022612492, ClinGen allele CA274566405.